The following is an entry in ClinVar:

ClinVar aggregate classification (germline): Uncertain significance. Review status: criteria provided, multiple submitters, no conflicts (2 of 4 stars). 4 submissions from 4 submitters: Uncertain significance (4). Last evaluated 2026-04-08.

Conditions:
Tuberous sclerosis syndrome (TSC). Also called: Tuberous Sclerosis Complex; Tuberous sclerosis. Identifiers: Orphanet 805, MedGen C0041341, MONDO:0001734.
Tuberous sclerosis 1 (TSC1). Identifiers: Orphanet 805, MedGen C1854465, MONDO:0008612, OMIM 191100.
Hereditary cancer-predisposing syndrome. Also called: Tumor predisposition; Hereditary neoplastic syndrome; Neoplastic Syndromes, Hereditary; Hereditary Cancer Syndrome. Identifiers: Orphanet 140162, MedGen C0027672, MeSH D009386, MONDO:0015356.

Submissions (4):

GeneDx
Classification: Uncertain significance. Last evaluated: 2026-04-08. Review status: criteria provided, single submitter. Criteria: GeneDx Variant Classification Process June 2021. Collection method: clinical testing. Allele origin: germline.
Comment: Not observed at significant frequency in large population cohorts (gnomAD); Has not been previously published as pathogenic or benign to our knowledge; In silico analysis is inconclusive as to whether the variant alters gene splicing. In the absence of RNA/functional studies, the actual effect of this sequence change is unknown.

Ambry Genetics
Classification: Uncertain significance for Hereditary cancer-predisposing syndrome. Last evaluated: 2025-08-28. Review status: criteria provided, single submitter. Criteria: Ambry Variant Classification Scheme 2023. Collection method: clinical testing. Allele origin: germline.
Comment: The c.1029+5G>A intronic variant results from a G to A substitution 5 nucleotides after coding exon 8 in the TSC1 gene. This nucleotide position is highly conserved in available vertebrate species. In silico splice site analysis predicts that this alteration may weaken the native splice donor site; however, direct evidence is insufficient at this time (Ambry internal data). Based on the available evidence, the clinical significance of this variant remains unclear.

Color Diagnostics, LLC DBA Color Health
Classification: Uncertain significance for Tuberous sclerosis syndrome. Last evaluated: 2025-08-28. Review status: criteria provided, single submitter. Criteria: ACMG Guidelines, 2015. Collection method: clinical testing. Allele origin: germline.
Comment: This variant causes a G to A nucleotide substitution at the +5 position of intron 10 of the TSC1 gene. Splice prediction tools suggest that this variant may disrupt RNA splicing. To our knowledge, RNA studies have not been reported for this variant. This variant has not been reported in individuals affected with TSC1-related disorders in the literature. This variant has not been identified in the general population by the Genome Aggregation Database (gnomAD). The available evidence is insufficient to determine the role of this variant in disease conclusively. Therefore, this variant is classified as a Variant of Uncertain Significance.

Labcorp Genetics (formerly Invitae), Labcorp
Classification: Uncertain significance for Tuberous sclerosis 1. Last evaluated: 2025-07-24. Review status: criteria provided, single submitter. Criteria: Invitae Variant Classification Sherloc (09022015). Collection method: clinical testing. Allele origin: germline.
Comment: This sequence change falls in intron 10 of the TSC1 gene. It does not directly change the encoded amino acid sequence of the TSC1 protein. It affects a nucleotide within the consensus splice site. This variant is not present in population databases (gnomAD no frequency). This variant has not been reported in the literature in individuals affected with TSC1-related conditions. ClinVar contains an entry for this variant (Variation ID: 835136). Variants that disrupt the consensus splice site are a relatively common cause of aberrant splicing (PMID: 17576681, 9536098). Algorithms developed to predict the effect of sequence changes on RNA splicing suggest that this variant may disrupt the consensus splice site. In summary, the available evidence is currently insufficient to determine the role of this variant in disease. Therefore, it has been classified as a Variant of Uncertain Significance.

Literature cited by the submitters: PubMed 17576681 (cited by Labcorp Genetics (formerly Invitae), Labcorp); PubMed 9536098 (cited by Labcorp Genetics (formerly Invitae), Labcorp).

NM_000368.5(TSC1):c.1029+5G>A

Gene: TSC1 (TSC complex subunit 1; minus strand). Cytogenetic location: 9q34.13.
Variant type: single nucleotide variant.
Coding change: c.1029+5G>A on transcript NM_000368.5 (MANE Select); 5 bases into the intron after coding-DNA position 1029, G replaced by A.
Molecular consequence: intron variant.
Genome position (GRCh38, 1-based): chr9:132,911,448, C>T on the plus strand (G>A on the coding strand, the complement: TSC1 is on the minus strand). VCF-style: chr9-132911448-C-T. GRCh37 (hg19) VCF-style: chr9-135786835-C-T.
Other names: c.666+5G>A (NM_001362177.2); c.876+5G>A (NM_001162427.2); c.1029+5G>A (NM_001162426.2).
Identifiers: ClinVar variation 835136 (VCV000835136.13), dbSNP rs1845952054, ClinGen allele CA375368358.
Genomic context (GRCh38, chr9:132,911,448, plus strand): 5'-TGACCCAAAGGGTCAGCTTCACCAGAAAGCAGAGGAGAGAGCAGGCACACTAGTTGACAC[C>T]ATACTTGTGGTGGTTCAGTTATCAGCCGTGTCGATGGGGAACTCAGAGTCTGAGGTAGCT-3'